The following is an entry in ClinVar:

NM_018240.7(KIRREL1):c.231C>T (p.Ser77=)

Gene: KIRREL1 (kirre like nephrin family adhesion molecule 1; plus strand). Cytogenetic location: 1q23.1.
Variant type: single nucleotide variant.
Coding change: c.231C>T on transcript NM_018240.7 (MANE Select); coding-DNA position 231, C replaced by T.
Protein change: p.Ser77=; no amino-acid change (serine 77 retained).
Molecular consequence: synonymous variant. On other transcripts: intron variant (1).
Genome position (GRCh38, 1-based): chr1:158,078,019, C>T. VCF-style: chr1-158078019-C-T. GRCh37 (hg19) VCF-style: chr1-158047809-C-T.
Other names: c.53-6403C>T (NM_001286349.2).
Identifiers: ClinVar variation 4991491 (VCV004991491.1).
Genomic context (GRCh38, chr1:158,078,019, plus strand): 5'-AAGGTTGGGCCTCATTCTTTCTGTTTCTGCAGCCTGGCCACGGTACCGGGTTGTGGGCTC[C>T]GCAGACGCTGGGCAGTACAACCTGGAGATCACAGATGCTGAGCTCTCTGACGACGCCTCT-3'
Protein context (NP_060710.3, residues 67-87): KAWPRYRVVG[Ser77=]ADAGQYNLEI

ClinVar aggregate classification (germline): Likely benign (1 of 4 stars; one submission).

Conditions:
KIRREL1-related disorder. Also called: KIRREL1-related condition.

gnomAD v4.1: 171 of 1,614,172 alleles (0.011%); highest among the groups gnomAD compares: African/African-American, 0.16%; no homozygotes.

Submission:

PreventionGenetics, part of Exact Sciences
Classification: Likely benign for KIRREL1-related condition. Last evaluated: 2024-12-18. Review status: criteria provided, single submitter. Criteria: ACMG Guidelines, 2015. Collection method: clinical testing. Allele origin: germline.
Comment: This variant is classified as likely benign based on ACMG/AMP sequence variant interpretation guidelines (Richards et al. 2015 PMID: 25741868, with internal and published modifications).